The following is an entry in ClinVar:

ClinVar aggregate classification (germline): Uncertain significance (1 of 4 stars; one submission).

Conditions:
Multiple endocrine neoplasia, type 2 (MEN2). Identifiers: Orphanet 653, MedGen C4048306, MONDO:0019003. Disease mechanism: gain of function.

gnomAD v4.1: 1 of 1,612,234 alleles (0.000062%); highest among the groups gnomAD compares: South Asian, 0.0011%; no homozygotes.

Submission:

All of Us Research Program, National Institutes of Health
Classification: Uncertain significance for Multiple endocrine neoplasia, type 2. Last evaluated: 2024-08-13. Review status: criteria provided, single submitter. Criteria: ACMG Guidelines, 2015. Collection method: clinical testing. Allele origin: germline. Inheritance: Autosomal dominant inheritance. Observed: 1 variant allele, 1 heterozygote.
Comment: This variant causes a C to T nucleotide substitution at the +6 position of intron 15 of the RET gene. Splice site prediction tools suggest that this variant may not impact RNA splicing. To our knowledge, RNA studies have not been reported for this variant. This variant has not been reported in individuals affected with RET-related disorders in the literature. This variant has not been identified in the general population by the Genome Aggregation Database (gnomAD). The available evidence is insufficient to determine the role of this variant in disease conclusively. Therefore, this variant is classified as a Variant of Uncertain Significance.

This study involves interpretation of variants in research participants for the purpose of population health screening. Participant phenotype was not available at the time of variant classification. Additional details can be found in publication PMID: 35346344, PMCID: PMC8962531

NM_020975.6(RET):c.2730+6C>T

Gene: RET (ret proto-oncogene; plus strand). Cytogenetic location: 10q11.21.
Variant type: single nucleotide variant.
Coding change: c.2730+6C>T on transcript NM_020975.6 (MANE Select); 6 bases into the intron after coding-DNA position 2730, C replaced by T.
Molecular consequence: intron variant.
Genome position (GRCh38, 1-based): chr10:43,120,209, C>T. VCF-style: chr10-43120209-C-T. GRCh37 (hg19) VCF-style: chr10-43615657-C-T.
Other names: c.2730+6C>T (NM_020630.7, NM_001406743.1, NM_001406744.1 and 2 more transcripts); c.2595+6C>T (NM_001406765.1, NM_001406763.1); c.2334+6C>T (NM_001406772.1, NM_001406769.1); c.2292+6C>T (NM_001406773.1, NM_001406771.1); c.1833+6C>T (NM_001406782.1, NM_001406780.1, NM_001406779.1 and 1 more transcripts); c.1698+6C>T (NM_001406787.1); c.1713+6C>T (NM_001406785.1); c.2601+6C>T (NM_001406764.1, NM_001406762.1, NM_001406761.1); and 10 more.
Identifiers: ClinVar variation 3387604 (VCV003387604.1).
Genomic context (GRCh38, chr10:43,120,209, plus strand): 5'-TTTCGGCTTGTCCCGAGATGTTTATGAAGAGGATTCCTACGTGAAGAGGAGCCAGGTGCC[C>T]AGTCCCGGGGATGAGGCGGGGCTCCCAGGGATCCCAGGTGCACCATGGGGCAGGCAGTGC-3'